The following is an entry in ClinVar:

NM_172107.4(KCNQ2):c.515-15A>G

Gene: KCNQ2 (potassium voltage-gated channel subfamily Q member 2; minus strand). Cytogenetic location: 20q13.33.
Variant type: single nucleotide variant.
Coding change: c.515-15A>G on transcript NM_172107.4 (MANE Select); 15 bases into the intron before coding-DNA position 515, A replaced by G.
Molecular consequence: intron variant.
Genome position (GRCh38, 1-based): chr20:63,444,849, T>C on the plus strand (A>G on the coding strand, the complement: KCNQ2 is on the minus strand). VCF-style: chr20-63444849-T-C. GRCh37 (hg19) VCF-style: chr20-62076202-T-C.
Other names: c.515-15A>G (NM_004518.6, NM_172108.5, NM_172106.3 and 1 more transcripts).
Identifiers: ClinVar variation 390521 (VCV000390521.5), dbSNP rs778229459, ClinGen allele CA9958787.

ClinVar aggregate classification (germline): Likely benign. Review status: criteria provided, multiple submitters, no conflicts (2 of 4 stars). 2 submissions from 2 submitters: Likely benign (2). Last evaluated 2025-10-07.

Conditions:
Early-infantile DEE. Also called: Early infantile epileptic encephalopathy with suppression bursts; Early infantile epileptic encephalopathy; Ohtahara syndrome. Identifiers: Orphanet 1934, MedGen C0393706, MONDO:0800491.

Allele frequency attached by ClinVar (database versions not stated): ExAC 0.00001; gnomAD 0.00001; gnomAD exomes 0.00002; TOPMed 0.00002.
gnomAD v4.1: 32 of 1,576,014 alleles (0.002%); highest among the groups gnomAD compares: Non-Finnish European, 0.0027%; no homozygotes.

Submissions (2):

Labcorp Genetics (formerly Invitae), Labcorp
Classification: Likely benign for Early-infantile DEE. Last evaluated: 2025-10-07. Review status: criteria provided, single submitter. Criteria: Invitae Variant Classification Sherloc (09022015). Collection method: clinical testing. Allele origin: germline.

GeneDx
Classification: Likely benign. Last evaluated: 2016-11-02. Review status: criteria provided, single submitter. Criteria: GeneDx Variant Classification (06012015). Collection method: clinical testing. Allele origin: germline. Affected: yes.
Comment: This variant is considered likely benign or benign based on one or more of the following criteria: it is a conservative change, it occurs at a poorly conserved position in the protein, it is predicted to be benign by multiple in silico algorithms, and/or has population frequency not consistent with disease.